The following is an entry in ClinVar:

NM_000057.4(BLM):c.2393A>C (p.His798Pro)

Gene: BLM (BLM RecQ like helicase; plus strand). Cytogenetic location: 15q26.1.
Variant type: single nucleotide variant.
Coding change: c.2393A>C on transcript NM_000057.4 (MANE Select); coding-DNA position 2393, A replaced by C.
Protein change: p.His798Pro; replaces histidine 798 with proline.
Molecular consequence: missense variant.
Genome position (GRCh38, 1-based): chr15:90,769,218, A>C. VCF-style: chr15-90769218-A-C. GRCh37 (hg19) VCF-style: chr15-91312448-A-C.
Other names: c.2393A>C, p.His798Pro (NM_001287246.2, NM_001287247.2); c.1268A>C, p.His423Pro (NM_001287248.2); short protein forms H423P, H798P.
Identifiers: ClinVar variation 2574889 (VCV002574889.2), dbSNP rs1596238349, ClinGen allele CA393845203.

ClinVar aggregate classification (germline): Uncertain significance. Review status: criteria provided, multiple submitters, no conflicts (2 of 4 stars). 2 submissions from 2 submitters: Uncertain significance (2). Last evaluated 2026-06-06.

Conditions:
Hereditary cancer-predisposing syndrome. Also called: Neoplastic Syndromes, Hereditary; Tumor predisposition; Hereditary Cancer Syndrome; Hereditary neoplastic syndrome. Identifiers: Orphanet 140162, MedGen C0027672, MeSH D009386, MONDO:0015356.

Allele frequency attached by ClinVar (database versions not stated): gnomAD exomes below 0.00001.
gnomAD v4.1: 1 of 1,610,584 alleles (0.000062%); highest among the groups gnomAD compares: Non-Finnish European, 0.000085%; no homozygotes.

Submissions (2):

Ambry Genetics
Classification: Uncertain significance for Hereditary cancer-predisposing syndrome. Last evaluated: 2026-06-06. Review status: criteria provided, single submitter. Criteria: Ambry Variant Classification Scheme 2023. Collection method: clinical testing. Allele origin: germline.
Comment: The p.H798P variant (also known as c.2393A>C), located in coding exon 10 of the BLM gene, results from an A to C substitution at nucleotide position 2393. The histidine at codon 798 is replaced by proline, an amino acid with similar properties. This amino acid position is conserved. In addition, this alteration is predicted to be deleterious by in silico analysis. Based on the available evidence, the clinical significance of this variant remains unclear.

GeneDx
Classification: Uncertain significance. Last evaluated: 2023-02-03. Review status: criteria provided, single submitter. Criteria: GeneDx Variant Classification Process June 2021. Collection method: clinical testing. Allele origin: germline. Affected: yes.
Comment: Not observed at significant frequency in large population cohorts (gnomAD); In silico analysis supports that this missense variant has a deleterious effect on protein structure/function; Has not been previously published as pathogenic or benign to our knowledge